The following is an entry in ClinVar:

ClinVar aggregate classification (germline): Uncertain significance (1 of 4 stars; one submission).

Conditions:
Baller-Gerold syndrome (BGS). Also called: CRANIOSYNOSTOSIS WITH RADIAL DEFECTS. Identifiers: Orphanet 1225, MedGen C0265308, MONDO:0009039, OMIM 218600.

Allele frequency attached by ClinVar (database versions not stated): TOPMed below 0.00001; gnomAD 0.00001.
gnomAD v4.1: 5 of 1,609,688 alleles (0.00031%); highest among the groups gnomAD compares: East Asian, 0.0022%; no homozygotes.

Submission:

Labcorp Genetics (formerly Invitae), Labcorp
Classification: Uncertain significance for Baller-Gerold syndrome. Last evaluated: 2025-02-02. Review status: criteria provided, single submitter. Criteria: Invitae Variant Classification Sherloc (09022015). Collection method: clinical testing. Allele origin: germline.
Comment: This sequence change replaces histidine, which is basic and polar, with tyrosine, which is neutral and polar, at codon 745 of the RECQL4 protein (p.His745Tyr). This variant is not present in population databases (gnomAD no frequency). This variant has not been reported in the literature in individuals affected with RECQL4-related conditions. ClinVar contains an entry for this variant (Variation ID: 529022). Invitae Evidence Modeling of protein sequence and biophysical properties (such as structural, functional, and spatial information, amino acid conservation, physicochemical variation, residue mobility, and thermodynamic stability) indicates that this missense variant is expected to disrupt RECQL4 protein function with a positive predictive value of 80%. In summary, the available evidence is currently insufficient to determine the role of this variant in disease. Therefore, it has been classified as a Variant of Uncertain Significance.

NM_004260.4(RECQL4):c.2233C>T (p.His745Tyr)

Gene: RECQL4 (RecQ like helicase 4; minus strand). Cytogenetic location: 8q24.3.
Variant type: single nucleotide variant.
Coding change: c.2233C>T on transcript NM_004260.4 (MANE Select); coding-DNA position 2233, C replaced by T.
Protein change: p.His745Tyr; replaces histidine 745 with tyrosine.
Molecular consequence: missense variant.
Genome position (GRCh38, 1-based): chr8:144,513,448, G>A on the plus strand (C>T on the coding strand, the complement: RECQL4 is on the minus strand). VCF-style: chr8-144513448-G-A. GRCh37 (hg19) VCF-style: chr8-145738832-G-A.
Other names: short protein forms H745Y.
Identifiers: ClinVar variation 529022 (VCV000529022.6), dbSNP rs747466614, ClinGen allele CA372678514.